The following is an entry in ClinVar:

NM_001348800.3(ZBTB20):c.2098C>T (p.Arg700Cys)

Gene: ZBTB20 (zinc finger and BTB domain containing 20; minus strand). Cytogenetic location: 3q13.31.
Variant type: single nucleotide variant.
Coding change: c.2098C>T on transcript NM_001348800.3 (MANE Select); coding-DNA position 2098, C replaced by T.
Protein change: p.Arg700Cys; replaces arginine 700 with cysteine.
Molecular consequence: missense variant. On other transcripts: non-coding transcript variant (1).
Genome position (GRCh38, 1-based): chr3:114,339,133, G>A on the plus strand (C>T on the coding strand, the complement: ZBTB20 is on the minus strand). VCF-style: chr3-114339133-G-A. GRCh37 (hg19) VCF-style: chr3-114057980-G-A.
Other names: c.2098C>T, p.Arg700Cys (NM_001164342.2, NM_001348803.3, NM_001393393.1 and 1 more transcripts); c.1879C>T, p.Arg627Cys (NM_001164343.2, NM_001164344.4, NM_001164345.4 and 9 more transcripts); short protein forms R700C, R627C.
Identifiers: ClinVar variation 1902090 (VCV001902090.5), dbSNP rs765872340, ClinGen allele CA2551214.

ClinVar aggregate classification (germline): Uncertain significance (1 of 4 stars; one submission).

Allele frequency attached by ClinVar (database versions not stated): ExAC 0.00001.
gnomAD v4.1: 14 of 1,612,576 alleles (0.00087%); highest among the groups gnomAD compares: Middle Eastern, 0.017%; no homozygotes.

Submission:

Labcorp Genetics (formerly Invitae), Labcorp
Classification: Uncertain significance. Last evaluated: 2025-02-26. Review status: criteria provided, single submitter. Criteria: Invitae Variant Classification Sherloc (09022015). Collection method: clinical testing. Allele origin: germline.
Comment: This sequence change replaces arginine, which is basic and polar, with cysteine, which is neutral and slightly polar, at codon 700 of the ZBTB20 protein (p.Arg700Cys). This variant is present in population databases (rs765872340, gnomAD 0.01%). This variant has not been reported in the literature in individuals affected with ZBTB20-related conditions. ClinVar contains an entry for this variant (Variation ID: 1902090). Invitae Evidence Modeling of protein sequence and biophysical properties (such as structural, functional, and spatial information, amino acid conservation, physicochemical variation, residue mobility, and thermodynamic stability) indicates that this missense variant is not expected to disrupt ZBTB20 protein function with a negative predictive value of 95%. In summary, the available evidence is currently insufficient to determine the role of this variant in disease. Therefore, it has been classified as a Variant of Uncertain Significance.